The following is an entry in ClinVar:

NM_006663.4(PPP1R13L):c.476C>T (p.Pro159Leu)

Gene: PPP1R13L (protein phosphatase 1 regulatory subunit 13 like; minus strand). Cytogenetic location: 19q13.32.
Variant type: single nucleotide variant.
Coding change: c.476C>T on transcript NM_006663.4 (MANE Select); coding-DNA position 476, C replaced by T.
Protein change: p.Pro159Leu; replaces proline 159 with leucine.
Molecular consequence: missense variant.
Genome position (GRCh38, 1-based): chr19:45,396,781, G>A on the plus strand (C>T on the coding strand, the complement: PPP1R13L is on the minus strand). VCF-style: chr19-45396781-G-A. GRCh37 (hg19) VCF-style: chr19-45900039-G-A.
Other names: c.476C>T, p.Pro159Leu (NM_001142502.2); c.476C>T (NM_006663.3); short protein forms P159L.
Identifiers: ClinVar variation 2458456 (VCV002458456.5), dbSNP rs758499040, ClinGen allele CA9514649.

ClinVar aggregate classification (germline): Conflicting classifications of pathogenicity. Review status: criteria provided, conflicting classifications (1 of 4 stars). 3 submissions from 3 submitters: Uncertain significance (2); Likely benign (1). Last evaluated 2025-07-24.

Conditions:
Inborn genetic diseases. Identifiers: MedGen C0950123, MeSH D030342.

gnomAD v4.1: 320 of 1,357,538 alleles (0.024%); highest among the groups gnomAD compares: Non-Finnish European, 0.028%; no homozygotes.

Submissions (3):

Molecular Diagnostic Laboratory for Inherited Cardiovascular Disease, Montreal Heart Institute
Classification: Likely benign. Last evaluated: 2025-07-24. Review status: criteria provided, single submitter. Criteria: ACMG Guidelines, 2015. Collection method: clinical testing. Allele origin: germline. Affected: no.
Comment: BS1;BP4

GeneDx
Classification: Uncertain significance. Last evaluated: 2025-06-16. Review status: criteria provided, single submitter. Criteria: GeneDx Variant Classification Process June 2021. Collection method: clinical testing. Allele origin: germline. Affected: yes.
Comment: In silico analysis suggests that this missense variant does not alter protein structure/function; Has not been previously published as pathogenic or benign to our knowledge

Ambry Genetics
Classification: Uncertain significance for Inborn genetic diseases. Last evaluated: 2025-04-06. Review status: criteria provided, single submitter. Criteria: Ambry Variant Classification Scheme 2023. Collection method: clinical testing. Allele origin: germline.